The following is an entry in ClinVar:

NM_001999.4(FBN2):c.6764A>G (p.Asn2255Ser)

Gene: FBN2 (fibrillin 2; minus strand). Cytogenetic location: 5q23.3.
Variant type: single nucleotide variant.
Coding change: c.6764A>G on transcript NM_001999.4 (MANE Select); coding-DNA position 6764, A replaced by G.
Protein change: p.Asn2255Ser; replaces asparagine 2255 with serine.
Molecular consequence: missense variant.
Genome position (GRCh38, 1-based): chr5:128,287,424, T>C on the plus strand (A>G on the coding strand, the complement: FBN2 is on the minus strand). VCF-style: chr5-128287424-T-C. GRCh37 (hg19) VCF-style: chr5-127623116-T-C.
Other names: short protein forms N2255S.
Identifiers: ClinVar variation 264412 (VCV000264412.5), dbSNP rs886039147, ClinGen allele CA10587607.

ClinVar aggregate classification (germline): Uncertain significance (1 of 4 stars; one submission).

Conditions:
Familial thoracic aortic aneurysm and aortic dissection (TAAD). Also called: Thoracic aortic aneurysms and dissections. Identifiers: Orphanet 91387, MedGen C4707243, MONDO:0019625.

Allele frequency attached by ClinVar (database versions not stated): gnomAD exomes 0.00001; TOPMed 0.00001.
gnomAD v4.1: 3 of 1,613,896 alleles (0.00019%); highest among the groups gnomAD compares: African/African-American, 0.0027%; no homozygotes.

Submission:

Ambry Genetics
Classification: Uncertain significance for Familial thoracic aortic aneurysm and aortic dissection. Last evaluated: 2015-09-15. Review status: criteria provided, single submitter. Criteria: Ambry Variant Classification Scheme 2023. Collection method: clinical testing. Allele origin: germline.
Comment: The p.N2255S variant (also known as c.6764A>G), located in coding exon 54 of the FBN2 gene, results from an A to G substitution at nucleotide position 6764. The asparagine at codon 2255 is replaced by serine, an amino acid with highly similar properties. This variant was not reported in population based cohorts in the following databases: Database of Single Nucleotide Polymorphisms (dbSNP), NHLBI Exome Sequencing Project (ESP), and 1000 Genomes Project. In the ESP, this variant was not observed in 6503 samples (13006 alleles) with coverage at this position. This amino acid position is highly conserved in available vertebrate species. In addition, the in silico prediction for this alteration is inconclusive. Since supporting evidence is limited at this time, the clinical significance of this variant remains unclear.